The following is an entry in ClinVar:

ClinVar aggregate classification (germline): Uncertain significance (1 of 4 stars; one submission).

Submission:

Labcorp Genetics (formerly Invitae), Labcorp
Classification: Uncertain significance. Last evaluated: 2022-06-05. Review status: criteria provided, single submitter. Criteria: Invitae Variant Classification Sherloc (09022015). Collection method: clinical testing. Allele origin: germline.
Comment: Algorithms developed to predict the effect of missense changes on protein structure and function are either unavailable or do not agree on the potential impact of this missense change (SIFT: "Deleterious"; PolyPhen-2: "Possibly Damaging"; Align-GVGD: "Class C15"). In summary, the available evidence is currently insufficient to determine the role of this variant in disease. Therefore, it has been classified as a Variant of Uncertain Significance. This variant has not been reported in the literature in individuals affected with C3-related conditions. This variant is not present in population databases (gnomAD no frequency). This sequence change replaces glycine, which is neutral and non-polar, with arginine, which is basic and polar, at codon 367 of the C3 protein (p.Gly367Arg).

NM_000064.4(C3):c.1099G>A (p.Gly367Arg)

Gene: C3 (complement C3; minus strand). Cytogenetic location: 19p13.3.
Variant type: single nucleotide variant.
Coding change: c.1099G>A on transcript NM_000064.4 (MANE Select); coding-DNA position 1099, G replaced by A.
Protein change: p.Gly367Arg; replaces glycine 367 with arginine.
Molecular consequence: missense variant.
Genome position (GRCh38, 1-based): chr19:6,712,528, C>T on the plus strand (G>A on the coding strand, the complement: C3 is on the minus strand). VCF-style: chr19-6712528-C-T. GRCh37 (hg19) VCF-style: chr19-6712539-C-T.
Other names: short protein forms G367R.
Identifiers: ClinVar variation 2002535 (VCV002002535.4), dbSNP rs2512264342, ClinGen allele CA403641638.
Genomic context (GRCh38, chr19:6,712,528, plus strand): 5'-CGAAGGGAGGAGTGGGACCCCTTCCCGCCCCGGGTCTCACCATGAGGTCAAAGGGCATTC[C>T]TGGTTTGAAGTACTTGGGTGTCTTGGTGAAGTGGATCTGGTAGGGAGAGGTCACGATGGG-3'
Protein context (NP_000055.2, residues 357-377): FTKTPKYFKP[Gly367Arg]MPFDLMVFVT